The following is an entry in ClinVar:

ClinVar aggregate classification (germline): Pathogenic (1 of 4 stars; one submission).

Conditions:
Hereditary cancer-predisposing syndrome. Also called: Tumor predisposition; Hereditary Cancer Syndrome; Neoplastic Syndromes, Hereditary; Hereditary neoplastic syndrome. Identifiers: Orphanet 140162, MedGen C0027672, MeSH D009386, MONDO:0015356.

Submission:

Ambry Genetics
Classification: Pathogenic for Hereditary cancer-predisposing syndrome. Last evaluated: 2022-03-29. Review status: criteria provided, single submitter. Criteria: Ambry Variant Classification Scheme 2023. Collection method: clinical testing. Allele origin: germline.
Comment: The c.633_2639+1delCCTCCAAG pathogenic mutation, located in coding exon 22 and intron 22 of the TSC2 gene, results in a deletion of 8 nucleotides from coding position 2633 to intronic position 2639+1. This alteration has been observed in at least one individual with a personal and/or family history that is consistent with TSC2-related disease (Ambry internal data). In silico splice site analysis predicts that this alteration will weaken the native splice donor site and may weaken the native splice acceptor site, however, direct evidence is insufficient at this time (Ambry internal data). Alterations that disrupt the canonical splice site are expected to cause aberrant splicing, resulting in an abnormal protein or a transcript that is subject to nonsense-mediated mRNA decay. As such, this alteration is classified as a disease-causing mutation.

NM_000548.5(TSC2):c.2633_2639+1del

Gene: TSC2 (TSC complex subunit 2; plus strand). Cytogenetic location: 16p13.3.
Variant type: Deletion.
Coding change: c.2633_2639+1del on transcript NM_000548.5 (MANE Select); coding-DNA position 2633 through the canonical splice donor site of the intron after coding-DNA position 2639, 8 bases deleted (CCTCCAAG; older notation c.2633_2639+1delCCTCCAAG).
Molecular consequence: splice donor variant.
Genome position (GRCh38, 1-based): chr16:2,075,886-2,075,893, CCTCCAAG deleted. VCF-style (leftmost placement, unchanged base first): chr16-2075885-CCCTCCAAG-C. GRCh37 (hg19) VCF-style: chr16-2125886-CCCTCCAAG-C.
Other names: c.2633_2639+1del (NM_001114382.3, NM_021055.3, NM_001370405.1 and 3 more transcripts); c.2522_2528+1del (NM_001318827.2); c.2033_2039+1del (NM_001318831.2); c.2486_2492+1del (NM_001318829.2); c.2666_2672+1del (NM_001318832.2).
Identifiers: ClinVar variation 1794080 (VCV001794080.2), dbSNP rs2543892190, ClinGen allele CA2580090861.
Genomic context (GRCh38, chr16:2,075,885, plus strand): 5'-AGGAACTTTGCCGCGGAGCAGTATGCCAGTGTGTTCGCCATCTCCCTGCCGTACACCAAC[CCCTCCAAG>C]TGAGTGGTCGCCCCAGGCCCTGTGCCTCCCAGCCGTGGCCCCCGCTAGGCCTTGCGGCAG-3'